The following is an entry in ClinVar:

ClinVar aggregate classification (germline): Uncertain significance. Review status: criteria provided, multiple submitters, no conflicts (2 of 4 stars). 4 submissions from 4 submitters: Uncertain significance (4). Last evaluated 2022-07-12.

Conditions:
Sulfite oxidase deficiency due to molybdenum cofactor deficiency type A. Also called: Molybdenum cofactor deficiency, complementation group A; Molybdenum Cofactor Deficiency A. Identifiers: Orphanet 308386, Orphanet 833, MedGen C1854988, MONDO:0009643, OMIM 252150.

Allele frequency attached by ClinVar (database versions not stated): TOPMed 0.00002; 1000 Genomes Project 30x 0.00047; 1000 Genomes Project 0.00060; gnomAD below 0.00001 and 0.00005; ExAC 0.00059.

Submissions (4):

Labcorp Genetics (formerly Invitae), Labcorp
Classification: Uncertain significance for Sulfite oxidase deficiency due to molybdenum cofactor deficiency type A. Last evaluated: 2022-07-12. Review status: criteria provided, single submitter. Criteria: Invitae Variant Classification Sherloc (09022015). Collection method: clinical testing. Allele origin: germline.
Comment: This sequence change affects the initiator methionine of the MOCS1 mRNA. The next in-frame methionine is located at codon 9. This variant is present in population databases (rs567333444, gnomAD 0.09%). This variant has not been reported in the literature in individuals affected with MOCS1-related conditions. ClinVar contains an entry for this variant (Variation ID: 451421). In summary, the available evidence is currently insufficient to determine the role of this variant in disease. Therefore, it has been classified as a Variant of Uncertain Significance.

Fulgent Genetics
Classification: Uncertain significance for Sulfite oxidase deficiency due to molybdenum cofactor deficiency type A. Last evaluated: 2021-11-08. Review status: criteria provided, single submitter. Criteria: ACMG Guidelines, 2015. Collection method: clinical testing. Allele origin: unknown.

Blueprint Genetics
Classification: Uncertain significance. Last evaluated: 2021-03-17. Review status: criteria provided, single submitter. Criteria: ACMG Guidelines, 2015. Collection method: clinical testing. Allele origin: germline.

GeneDx
Classification: Uncertain significance. Last evaluated: 2019-06-11. Review status: criteria provided, single submitter. Criteria: GeneDx Variant Classification Process June 2021. Collection method: clinical testing. Allele origin: germline. Affected: yes.
Comment: Has not been previously published as pathogenic or benign to our knowledge

NM_001358530.2(MOCS1):c.1A>C (p.Met1Leu)

Gene: MOCS1 (molybdenum cofactor synthesis 1; minus strand). Cytogenetic location: 6p21.2.
Variant type: single nucleotide variant.
Coding change: c.1A>C on transcript NM_001358530.2 (MANE Select); coding-DNA position 1, A replaced by C.
Protein change: p.Met1Leu; changes the start codon (methionine 1).
Molecular consequence: missense variant, initiator codon variant. On other transcripts: 5 prime UTR variant (2), non-coding transcript variant (1).
Genome position (GRCh38, 1-based): chr6:39,934,417, T>G on the plus strand (A>C on the coding strand, the complement: MOCS1 is on the minus strand). VCF-style: chr6-39934417-T-G. GRCh37 (hg19) VCF-style: chr6-39902156-T-G.
Other names: c.1A>C, p.Met1Leu (NM_001075098.4, NM_001358529.2); c.-134A>C (NM_001358531.2, NM_001358533.2); short protein forms M1L.
Identifiers: ClinVar variation 451421 (VCV000451421.10), dbSNP rs567333444, ClinGen allele CA3796514.